The following is an entry in ClinVar:

NM_001378183.1(PIEZO2):c.6164C>T (p.Thr2055Met)

Gene: PIEZO2 (piezo type mechanosensitive ion channel component 2; minus strand). Cytogenetic location: 18p11.22.
Variant type: single nucleotide variant.
Coding change: c.6164C>T on transcript NM_001378183.1 (MANE Select); coding-DNA position 6164, C replaced by T.
Protein change: p.Thr2055Met; replaces threonine 2055 with methionine.
Molecular consequence: missense variant.
Genome position (GRCh38, 1-based): chr18:10,704,488, G>A on the plus strand (C>T on the coding strand, the complement: PIEZO2 is on the minus strand). VCF-style: chr18-10704488-G-A. GRCh37 (hg19) VCF-style: chr18-10704486-G-A.
Other names: c.5825C>T, p.Thr1942Met (NM_022068.4); short protein forms T1942M, T2055M.
Identifiers: ClinVar variation 638514 (VCV000638514.6), dbSNP rs1005911734, ClinGen allele CA295990390.

ClinVar aggregate classification (germline): Uncertain significance. Review status: criteria provided, multiple submitters, no conflicts (2 of 4 stars). 2 submissions from 2 submitters: Uncertain significance (2). Last evaluated 2023-06-06.

Conditions:
Marden-Walker syndrome (MWKS). Also called: Connective tissue disorder Marden Walker type. Identifiers: Orphanet 2461, MedGen C0796033, MONDO:0009564, OMIM 248700.

Allele frequency attached by ClinVar (database versions not stated): gnomAD 0.00001; gnomAD exomes 0.00001; TOPMed 0.00002.
gnomAD v4.1: 19 of 1,537,130 alleles (0.0012%); highest among the groups gnomAD compares: East Asian, 0.0049%; no homozygotes.

Submissions (2):

Labcorp Genetics (formerly Invitae), Labcorp
Classification: Uncertain significance. Last evaluated: 2023-06-06. Review status: criteria provided, single submitter. Criteria: Invitae Variant Classification Sherloc (09022015). Collection method: clinical testing. Allele origin: germline.
Comment: Advanced modeling of protein sequence and biophysical properties (such as structural, functional, and spatial information, amino acid conservation, physicochemical variation, residue mobility, and thermodynamic stability) performed at Invitae indicates that this missense variant is expected to disrupt PIEZO2 protein function. ClinVar contains an entry for this variant (Variation ID: 638514). This variant has not been reported in the literature in individuals affected with PIEZO2-related conditions. This sequence change replaces threonine, which is neutral and polar, with methionine, which is neutral and non-polar, at codon 1942 of the PIEZO2 protein (p.Thr1942Met). This variant is present in population databases (no rsID available, gnomAD 0.004%). In summary, the available evidence is currently insufficient to determine the role of this variant in disease. Therefore, it has been classified as a Variant of Uncertain Significance.

Genomic Research Center, Shahid Beheshti University of Medical Sciences
Classification: Uncertain significance for Marden-Walker syndrome. Last evaluated: 2019-04-27. Review status: criteria provided, single submitter. Criteria: ACMG Guidelines, 2015. Collection method: clinical testing. Allele origin: unknown. Affected: yes.